The following is an entry in ClinVar:

NM_001039141.3(TRIOBP):c.2666G>A (p.Trp889Ter)

Gene: TRIOBP (TRIO and F-actin binding protein; plus strand). Cytogenetic location: 22q13.1.
Variant type: single nucleotide variant.
Coding change: c.2666G>A on transcript NM_001039141.3 (MANE Select); coding-DNA position 2666, G replaced by A.
Protein change: p.Trp889Ter; replaces tryptophan 889 with a stop codon.
Molecular consequence: nonsense.
Genome position (GRCh38, 1-based): chr22:37,725,222, G>A. VCF-style: chr22-37725222-G-A. GRCh37 (hg19) VCF-style: chr22-38121229-G-A.
Other names: short protein forms W889*.
Identifiers: ClinVar variation 3601950 (VCV003601950.1).
Genomic context (GRCh38, chr22:37,725,222, plus strand): 5'-CTCAATGCTGCACCCAAAAGGAGAATCTGAGACCATCATCTCCCCACCGCTCCACTCAAT[G>A]GAACAATCCCAGGAATTCATCTCCCCATCGTACTAACAAAGACATCCCCTGGGCCTCGTT-3'

ClinVar aggregate classification (germline): Likely pathogenic (1 of 4 stars; one submission).

Conditions:
Autosomal recessive nonsyndromic hearing loss 28. Identifiers: Orphanet 90636, MedGen C1853276, MONDO:0012355, OMIM 609823.

Submission:

Institute of Rare Diseases, West China Hospital, Sichuan University
Classification: Likely pathogenic for Autosomal recessive nonsyndromic hearing loss 28. Last evaluated: 2025-01-09. Review status: criteria provided, single submitter. Criteria: ClinGen HL ACMG Specifications v1. Collection method: research. Allele origin: germline. Affected: yes.
Comment: PVS1;PM2_Supporting